The following is an entry in ClinVar:

NM_001127671.2(LIFR):c.2410A>G (p.Lys804Glu)

Gene: LIFR (LIF receptor subunit alpha; minus strand). Cytogenetic location: 5p13.1.
Variant type: single nucleotide variant.
Coding change: c.2410A>G on transcript NM_001127671.2 (MANE Select); coding-DNA position 2410, A replaced by G.
Protein change: p.Lys804Glu; replaces lysine 804 with glutamic acid.
Molecular consequence: missense variant.
Genome position (GRCh38, 1-based): chr5:38,485,906, T>C on the plus strand (A>G on the coding strand, the complement: LIFR is on the minus strand). VCF-style: chr5-38485906-T-C. GRCh37 (hg19) VCF-style: chr5-38486008-T-C.
Other names: c.2410A>G, p.Lys804Glu (NM_001364297.2, NM_001364298.2, NM_002310.6); short protein forms K804E.
Identifiers: ClinVar variation 353616 (VCV000353616.9), dbSNP rs148664975, ClinGen allele CA3242674.
Genomic context (GRCh38, chr5:38,485,906, plus strand): 5'-TCTTCTCCGGGCCCACTCCACCATCTGTATAGGCTCGCAAGACCAGGTGGTAACTTGTTT[T>C]ACCTTGAAGATCAGCAATTCTCAGTGTCTTCTGGGATATGTCAGTAATATTCTTAACTTT-3'
Protein context (NP_001121143.1, residues 794-814): KTLRIADLQG[Lys804Glu]TSYHLVLRAY

ClinVar aggregate classification (germline): Uncertain significance. Review status: criteria provided, multiple submitters, no conflicts (2 of 4 stars). 5 submissions from 5 submitters: Uncertain significance (5). Last evaluated 2024-01-03.

Conditions:
Stüve-Wiedemann syndrome 1. Also called: STUVE-WIEDEMANN/SCHWARTZ-JAMPEL TYPE 2 SYNDROME. Identifiers: Orphanet 3206, MedGen C5676888, MONDO:0800043, OMIM 601559.
Stuve-Wiedemann syndrome (STWS). Also called: Stüve-Wiedemann syndrome. Identifiers: Orphanet 3206, MedGen C0796176, MONDO:0031280.

Allele frequency attached by ClinVar (database versions not stated): 1000 Genomes Project 0.00020; 1000 Genomes Project 30x 0.00031; ESP Exome Variant Server 0.00031; TOPMed 0.00042; ExAC 0.00045; gnomAD exomes 0.00048 and 0.00090; gnomAD 0.00056.
gnomAD v4.1: 1,378 of 1,614,182 alleles (0.085%); highest among the groups gnomAD compares: Non-Finnish European, 0.11%; 3 homozygotes.

Submissions (5):

Fulgent Genetics
Classification: Uncertain significance for Stüve-Wiedemann syndrome 1. Last evaluated: 2024-01-03. Review status: criteria provided, single submitter. Criteria: ACMG Guidelines, 2015. Collection method: clinical testing. Allele origin: germline.

ARUP Laboratories, Molecular Genetics and Genomics, ARUP Laboratories
Classification: Uncertain significance for Stüve-Wiedemann syndrome 1. Last evaluated: 2023-09-27. Review status: criteria provided, single submitter. Criteria: ARUP Molecular Germline Variant Investigation Process 2024. Collection method: clinical testing. Allele origin: germline.
Comment: The LIFR c.2410A>G; p.Lys804Glu variant (rs148664975), to our knowledge is not reported in the medical literature but is reported in ClinVar (Variation ID: 353616). This variant is found in the non-Finnish European population with an allele frequency of 0.098% (126/129178 alleles) in the Genome Aggregation Database. Computational analyses predict that this variant is neutral (REVEL: 0.145). Due to limited information, the clinical significance of this variant is uncertain at this time.

Labcorp Genetics (formerly Invitae), Labcorp
Classification: Uncertain significance. Last evaluated: 2022-10-24. Review status: criteria provided, single submitter. Criteria: Invitae Variant Classification Sherloc (09022015). Collection method: clinical testing. Allele origin: germline.
Comment: This sequence change replaces lysine, which is basic and polar, with glutamic acid, which is acidic and polar, at codon 804 of the LIFR protein (p.Lys804Glu). This variant is present in population databases (rs148664975, gnomAD 0.1%), and has an allele count higher than expected for a pathogenic variant. This variant has not been reported in the literature in individuals affected with LIFR-related conditions. ClinVar contains an entry for this variant (Variation ID: 353616). Algorithms developed to predict the effect of missense changes on protein structure and function are either unavailable or do not agree on the potential impact of this missense change (SIFT: "Tolerated"; PolyPhen-2: "Possibly Damaging"; Align-GVGD: "Class C0"). Algorithms developed to predict the effect of sequence changes on RNA splicing suggest that this variant may disrupt the consensus splice site. In summary, the available evidence is currently insufficient to determine the role of this variant in disease. Therefore, it has been classified as a Variant of Uncertain Significance.

Department of Pathology and Laboratory Medicine, Sinai Health System
Classification: Uncertain significance for Stüve-Wiedemann syndrome 1. Last evaluated: 2021-07-30. Review status: criteria provided, single submitter. Criteria: ACMG Guidelines, 2015. Collection method: research. Allele origin: germline.

Illumina Laboratory Services, Illumina
Classification: Uncertain significance for Stüve-Wiedemann syndrome 1. Last evaluated: 2018-01-13. Review status: criteria provided, single submitter. Criteria: ICSL Variant Classification Criteria 13 December 2019. Collection method: clinical testing. Allele origin: germline.